The following is an entry in ClinVar:

ClinVar aggregate classification (germline): Conflicting classifications of pathogenicity. Review status: criteria provided, conflicting classifications (1 of 4 stars). 3 submissions from 3 submitters: Uncertain significance (2); Benign (1). Last evaluated 2026-01-26.

Conditions:
Gorlin syndrome. Also called: Nevoid Basal Cell Carcinoma Syndrome; Basal cell nevus syndrome. Identifiers: Orphanet 377, MedGen C0004779, MONDO:0007187.

Allele frequency attached by ClinVar (database versions not stated): ExAC 0.00001; gnomAD 0.00001; gnomAD exomes 0.00001; TOPMed 0.00003.

Submissions (3):

Labcorp Genetics (formerly Invitae), Labcorp
Classification: Benign for Gorlin syndrome. Last evaluated: 2026-01-26. Review status: criteria provided, single submitter. Criteria: Invitae Variant Classification Sherloc (09022015). Collection method: clinical testing. Allele origin: germline.

Quest Diagnostics Nichols Institute San Juan Capistrano
Classification: Uncertain significance. Last evaluated: 2024-01-24. Review status: criteria provided, single submitter. Criteria: Quest Diagnostics criteria. Collection method: clinical testing. Allele origin: unknown.
Comment: The PTCH1 c.394+6_394+17del variant has not been reported in individuals with PTCH1-related conditions in the published literature. The frequency of this variant in the general population, 0.0000083 (2/240296 chromosomes (Genome Aggregation Database)), is uninformative in the assessment of its pathogenicity. Analysis of this variant using software algorithms for the prediction of the effect of nucleotide changes on splicing yielded predictions that this variant does not affect PTCH1 mRNA splicing. Based on the available information, we are unable to determine the clinical significance of this variant.

Women's Health and Genetics/Laboratory Corporation of America, LabCorp
Classification: Uncertain significance. Last evaluated: 2023-10-23. Review status: criteria provided, single submitter. Criteria: LabCorp Variant Classification Summary - May 2015. Collection method: clinical testing. Allele origin: germline.
Comment: Variant summary: PTCH1 c.394+6_394+17del12 alters a nucleotide located close to a canonical splice site and therefore could affect mRNA splicing, leading to a significantly altered protein sequence. Consensus agreement among computation tools predict no significant impact on normal splicing. However, these predictions have yet to be confirmed by functional studies. The variant allele was found at a frequency of 8.3e-06 in 240296 control chromosomes (gnomAD). The available data on variant occurrences in the general population are insufficient to allow any conclusion about variant significance. To our knowledge, no occurrence of c.394+6_394+17del12 in individuals affected with Nevoid Basal Cell Carcinoma Syndrome (Gorlin Syndrome) and no experimental evidence demonstrating its impact on protein function have been reported. One submitter has cited clinical-significance assessments for this variant to ClinVar after 2014 and has classified the variant as benign. Based on the evidence outlined above, the variant was classified as uncertain significance.

NM_000264.5(PTCH1):c.394+6_394+17del

Gene: PTCH1 (patched 1; minus strand). Cytogenetic location: 9q22.32.
Variant type: Deletion.
Coding change: c.394+6_394+17del on transcript NM_000264.5 (MANE Select); bases 6 to 17 of the intron after coding-DNA position 394, 12 bases deleted (AGCGCCCGCCGC).
Molecular consequence: intron variant.
Genome position (GRCh38, 1-based): chr9:95,506,390-95,506,401, GCGGCGGGCGCT deleted on the plus strand (AGCGCCCGCCGC on the coding strand, the reverse complement: PTCH1 is on the minus strand). VCF-style (leftmost placement, unchanged base first): chr9-95506389-CGCGGCGGGCGCT-C. GRCh37 (hg19) VCF-style: chr9-98268671-CGCGGCGGGCGCT-C.
Other names: c.394+6_394+17del (NM_001354918.2, NM_000264.4); c.-60+6_-60+17del (NM_001083605.3, NM_001083604.3, NM_001083606.3 and 1 more transcripts); c.196+6_196+17del (NM_001354919.2, NM_001083602.3); c.391+6_391+17del (NM_001083603.3); c.394+6_394+17del12 (NM_000264.5).
Identifiers: ClinVar variation 1054267 (VCV001054267.11), dbSNP rs774338309, ClinGen allele CA5138968.